The following is an entry in ClinVar:

ClinVar aggregate classification (germline): Uncertain significance (1 of 4 stars; one submission).

Conditions:
Alstrom syndrome (ALMS). Identifiers: Orphanet 64, MedGen C0268425, MONDO:0008763, OMIM 203800.

Submission:

Labcorp Genetics (formerly Invitae), Labcorp
Classification: Uncertain significance for Alstrom syndrome. Last evaluated: 2022-07-20. Review status: criteria provided, single submitter. Criteria: Invitae Variant Classification Sherloc (09022015). Collection method: clinical testing. Allele origin: germline.
Comment: This sequence change replaces alanine, which is neutral and non-polar, with glycine, which is neutral and non-polar, at codon 562 of the ALMS1 protein (p.Ala562Gly). This variant is not present in population databases (gnomAD no frequency). This variant has not been reported in the literature in individuals affected with ALMS1-related conditions. Experimental studies and prediction algorithms are not available or were not evaluated, and the functional significance of this variant is currently unknown. In summary, the available evidence is currently insufficient to determine the role of this variant in disease. Therefore, it has been classified as a Variant of Uncertain Significance.

NM_001378454.1(ALMS1):c.1682C>G (p.Ala561Gly)

Gene: ALMS1 (ALMS1 centrosome and basal body associated protein; plus strand). Cytogenetic location: 2p13.1.
Variant type: single nucleotide variant.
Coding change: c.1682C>G on transcript NM_001378454.1 (MANE Select); coding-DNA position 1682, C replaced by G.
Protein change: p.Ala561Gly; replaces alanine 561 with glycine.
Molecular consequence: missense variant.
Genome position (GRCh38, 1-based): chr2:73,448,209, C>G. VCF-style: chr2-73448209-C-G. GRCh37 (hg19) VCF-style: chr2-73675336-C-G.
Other names: c.1685C>G, p.Ala562Gly (NM_015120.4); short protein forms A561G, A562G.
Identifiers: ClinVar variation 1904164 (VCV001904164.2), dbSNP rs2466091944, ClinGen allele CA347265111.
Genomic context (GRCh38, chr2:73,448,209, plus strand): 5'-CATTAGCAGATACTCATCTAACTGAAGAGACTCTGAAAGTCACAGCTATTCCTGAACCAG[C>G]TGACCAGAAGACTGCAACACCAACAGTACTCTCTAGTTCCCACTCACATAGGGGGAAGCC-3'
Protein context (NP_001365383.1, residues 551-571): TLKVTAIPEP[Ala561Gly]DQKTATPTVL